The following is an entry in ClinVar:

ClinVar aggregate classification (germline): Uncertain significance. Review status: criteria provided, multiple submitters, no conflicts (2 of 4 stars). 2 submissions from 2 submitters: Uncertain significance (2). Last evaluated 2026-10-19.

Conditions:
Autosomal dominant osteopetrosis 2. Also called: ALBERS-SCHONBERG DISEASE, AUTOSOMAL DOMINANT; MARBLE BONES, AUTOSOMAL DOMINANT; OSTEOSCLEROSIS FRAGILIS GENERALISATA; Osteopetroses; Marble bones; Albers-Schonberg disease. Identifiers: Orphanet 53, MedGen C3179239, MONDO:0008156, OMIM 166600.

gnomAD v4.1: 4 of 1,612,518 alleles (0.00025%); highest among the groups gnomAD compares: South Asian, 0.0033%; no homozygotes.

Submissions (2):

Cellular and Molecular Research Center, Cellular and Molecular Medicine Research Institute,, Urmia University of Medical Sciences
Classification: Uncertain significance for Autosomal dominant osteopetrosis 2. Last evaluated: 2026-10-19. Review status: criteria provided, single submitter. Criteria: ACMG Guidelines, 2015. Collection method: clinical testing. Allele origin: germline. Inheritance: Autosomal recessive inheritance. Affected: yes. Observed: 1 variant allele, 1 homozygote.
Comment: The CLCN7 gene encodes ClC-7, a lysosomal chloride/proton exchanger that plays an essential role in osteoclast-mediated bone resorption. Pathogenic variants in this gene are associated with autosomal recessive osteopetrosis type 4 (OMIM: 611490) and autosomal dominant osteopetrosis type II (Albers–Schönberg disease; OMIM: 166600). The first molecular association between CLCN7 and osteopetrosis was reported in 2001. The variant c.1514A>G is a single-nucleotide substitution in which adenine (A), a purine, is replaced by guanine (G), another purine. Therefore, it is classified as a transition mutation. At the protein level, it produces a missense substitution, p.(Tyr505Cys), replacing tyrosine with cysteine at amino acid position 505. Pathogenic CLCN7 variants can disrupt ClC-7 exchanger function. Impaired chloride/proton exchange interferes with acidification of the bone-resorption lacuna, reducing osteoclast activity. Consequently, bone resorption is impaired, leading to abnormally dense but fragile bones, characteristic of osteopetrosis. In our study, the role of the above variant was unclear, and further studies were required.

Labcorp Genetics (formerly Invitae), Labcorp
Classification: Uncertain significance. Last evaluated: 2025-05-01. Review status: criteria provided, single submitter. Criteria: Invitae Variant Classification Sherloc (09022015). Collection method: clinical testing. Allele origin: germline.
Comment: This sequence change replaces tyrosine, which is neutral and polar, with cysteine, which is neutral and slightly polar, at codon 505 of the CLCN7 protein (p.Tyr505Cys). The frequency data for this variant in the population databases is considered unreliable, as metrics indicate poor data quality at this position in the gnomAD database. This variant has not been reported in the literature in individuals affected with CLCN7-related conditions. Invitae Evidence Modeling of protein sequence and biophysical properties (such as structural, functional, and spatial information, amino acid conservation, physicochemical variation, residue mobility, and thermodynamic stability) indicates that this missense variant is expected to disrupt CLCN7 protein function with a positive predictive value of 95%. In summary, the available evidence is currently insufficient to determine the role of this variant in disease. Therefore, it has been classified as a Variant of Uncertain Significance.

Literature cited by the submitters: PubMed 40018371 (cited by Cellular and Molecular Research Center, Cellular and Molecular Medicine Research Institute,, Urmia University of Medical Sciences).

NM_001287.6(CLCN7):c.1514A>G (p.Tyr505Cys)

Gene: CLCN7 (Cl-/H+ antiporter 7; minus strand). Cytogenetic location: 16p13.3.
Variant type: single nucleotide variant.
Coding change: c.1514A>G on transcript NM_001287.6 (MANE Select); coding-DNA position 1514, A replaced by G.
Protein change: p.Tyr505Cys; replaces tyrosine 505 with cysteine.
Molecular consequence: missense variant.
Genome position (GRCh38, 1-based): chr16:1,450,600, T>C on the plus strand (A>G on the coding strand, the complement: CLCN7 is on the minus strand). VCF-style: chr16-1450600-T-C. GRCh37 (hg19) VCF-style: chr16-1500601-T-C.
Other names: c.1442A>G, p.Tyr481Cys (NM_001114331.3); short protein forms Y481C, Y505C.
Identifiers: ClinVar variation 4810920 (VCV004810920.2).